The following is an entry in ClinVar:

NM_000540.3(RYR1):c.2900C>T (p.Ala967Val)

Gene: RYR1 (ryanodine receptor 1; plus strand). Cytogenetic location: 19q13.2.
Variant type: single nucleotide variant.
Coding change: c.2900C>T on transcript NM_000540.3 (MANE Select); coding-DNA position 2900, C replaced by T.
Protein change: p.Ala967Val; replaces alanine 967 with valine.
Molecular consequence: missense variant.
Genome position (GRCh38, 1-based): chr19:38,466,120, C>T. VCF-style: chr19-38466120-C-T. GRCh37 (hg19) VCF-style: chr19-38956760-C-T.
Other names: c.2900C>T, p.Ala967Val (NM_001042723.2); short protein forms A967V.
Identifiers: ClinVar variation 2189376 (VCV002189376.5), dbSNP rs767181960, ClinGen allele CA064176.
Genomic context (GRCh38, chr19:38,466,120, plus strand): 5'-CTTGTCCCATGGAGCCCTACCATGCCCGCAGGTATATGATGAGCAATGGGTACAAGCCGG[C>T]TCCGCTGGACCTGAGCCACGTGCGGCTGACGCCGGCGCAGACGACACTGGTGGACCGTCT-3'
Protein context (NP_000531.2, residues 957-977): TYMMSNGYKP[Ala967Val]PLDLSHVRLT

ClinVar aggregate classification (germline): Uncertain significance (1 of 4 stars; one submission).

Conditions:
RYR1-related disorder. Also called: RYR1-related condition; RYR1-related disorders. Identifiers: MedGen CN239331.

Allele frequency attached by ClinVar (database versions not stated): TOPMed below 0.00001; ExAC 0.00001.
gnomAD v4.1: 2 of 1,612,650 alleles (0.00012%); highest among the groups gnomAD compares: Admixed American, 0.0017%; no homozygotes.

Submission:

Labcorp Genetics (formerly Invitae), Labcorp
Classification: Uncertain significance for RYR1-related disorder. Last evaluated: 2025-07-13. Review status: criteria provided, single submitter. Criteria: Invitae Variant Classification Sherloc (09022015). Collection method: clinical testing. Allele origin: germline.
Comment: This sequence change replaces alanine, which is neutral and non-polar, with valine, which is neutral and non-polar, at codon 967 of the RYR1 protein (p.Ala967Val). This variant is present in population databases (rs767181960, gnomAD no frequency). This variant has not been reported in the literature in individuals affected with RYR1-related conditions. ClinVar contains an entry for this variant (Variation ID: 2189376). Invitae Evidence Modeling of protein sequence and biophysical properties (such as structural, functional, and spatial information, amino acid conservation, physicochemical variation, residue mobility, and thermodynamic stability) has been performed for this missense variant. However, the output from this modeling did not meet the statistical confidence thresholds required to predict the impact of this variant on RYR1 protein function. In summary, the available evidence is currently insufficient to determine the role of this variant in disease. Therefore, it has been classified as a Variant of Uncertain Significance.